The following is an entry in ClinVar:

ClinVar aggregate classification (germline): Likely benign (0 of 4 stars; one submission).

Conditions:
SERPIND1-related disorder. Also called: SERPIND1-related condition.

Allele frequency attached by ClinVar (database versions not stated): 1000 Genomes Project 30x 0.00016; 1000 Genomes Project 0.00020.
gnomAD v4.1: 195 of 1,614,124 alleles (0.012%); highest among the groups gnomAD compares: South Asian, 0.17%; 1 homozygote.

Submission:

PreventionGenetics, part of Exact Sciences
Classification: Likely benign for SERPIND1-related condition. Last evaluated: 2019-04-12. Review status: no assertion criteria provided. Collection method: clinical testing. Allele origin: germline.
Comment: This variant is classified as likely benign based on ACMG/AMP sequence variant interpretation guidelines (Richards et al. 2015 PMID: 25741868, with internal and published modifications).

NM_000185.4(SERPIND1):c.1338C>T (p.Asn446=)

Genes: PI4KA (phosphatidylinositol 4-kinase alpha; minus strand), SERPIND1 (serpin family D member 1; plus strand). Cytogenetic location: 22q11.21.
Variant type: single nucleotide variant.
Coding change: c.1338C>T on transcript NM_000185.4 (MANE Select); coding-DNA position 1338, C replaced by T.
Protein change: p.Asn446=; no amino-acid change (asparagine 446 retained).
Molecular consequence: synonymous variant. On other transcripts: intron variant (3).
Genome position (GRCh38, 1-based): chr22:20,786,904, C>T. VCF-style: chr22-20786904-C-T. GRCh37 (hg19) VCF-style: chr22-21141192-C-T.
Other names: c.2262+6289G>A (NM_001362863.2); c.2328+6289G>A (NM_001362862.2, NM_058004.4).
Identifiers: ClinVar variation 3051436 (VCV003051436.2), dbSNP rs373125956, ClinGen allele CA10116114.